The following is an entry in ClinVar:

ClinVar aggregate classification (germline): Likely benign (1 of 4 stars; one submission).

Allele frequency attached by ClinVar (database versions not stated): 1000 Genomes Project 0.00579; 1000 Genomes Project 30x 0.00656; ESP Exome Variant Server 0.00769.
gnomAD v4.1: 12,873 of 1,612,926 alleles (0.8%); highest among the groups gnomAD compares: Middle Eastern, 1.2%; 66 homozygotes.

Submission:

CeGaT Center for Human Genetics Tuebingen
Classification: Likely benign. Last evaluated: 2022-12-01. Review status: criteria provided, single submitter. Criteria: CeGaT Center For Human Genetics Tuebingen Variant Classification Criteria Version 2. Collection method: clinical testing. Allele origin: germline. Affected: yes. Observed: 1 variant allele.
Comment: KALRN: BP4, BP7, BS2

NM_001388419.1(KALRN):c.1125C>T (p.Ser375=)

Gene: KALRN (kalirin RhoGEF kinase; plus strand). Cytogenetic location: 3q21.2.
Variant type: single nucleotide variant.
Coding change: c.1125C>T on transcript NM_001388419.1 (MANE Select); coding-DNA position 1125, C replaced by T.
Protein change: p.Ser375=; no amino-acid change (serine 375 retained).
Molecular consequence: synonymous variant.
Genome position (GRCh38, 1-based): chr3:124,326,012, C>T. VCF-style: chr3-124326012-C-T. GRCh37 (hg19) VCF-style: chr3-124044859-C-T.
Other names: c.1119C>T, p.Ser373= (NM_001024660.5, NM_001322988.2, NM_001322989.2 and 4 more transcripts); c.1125C>T, p.Ser375= (NM_001388417.1, NM_001388418.1).
Identifiers: ClinVar variation 2654085 (VCV002654085.24), dbSNP rs16835275, ClinGen allele CA2579105.